The following is an entry in ClinVar:

ClinVar aggregate classification (germline): Uncertain significance (1 of 4 stars; one submission).

Submission:

Labcorp Genetics (formerly Invitae), Labcorp
Classification: Uncertain significance. Last evaluated: 2023-09-10. Review status: criteria provided, single submitter. Criteria: Invitae Variant Classification Sherloc (09022015). Collection method: clinical testing. Allele origin: germline.
Comment: In summary, the available evidence is currently insufficient to determine the role of this variant in disease. Therefore, it has been classified as a Variant of Uncertain Significance. An algorithm developed to predict the effect of missense changes on protein structure and function (PolyPhen-2) suggests that this variant is likely to be disruptive. This variant has not been reported in the literature in individuals affected with RAB11A-related conditions. This variant is not present in population databases (gnomAD no frequency). This sequence change replaces glutamic acid, which is acidic and polar, with alanine, which is neutral and non-polar, at codon 35 of the RAB11A protein (p.Glu35Ala).

NM_004663.5(RAB11A):c.104A>C (p.Glu35Ala)

Gene: RAB11A (RAB11A, member RAS oncogene family; plus strand). Cytogenetic location: 15q22.31.
Variant type: single nucleotide variant.
Coding change: c.104A>C on transcript NM_004663.5 (MANE Select); coding-DNA position 104, A replaced by C.
Protein change: p.Glu35Ala; replaces glutamic acid 35 with alanine.
Molecular consequence: missense variant.
Genome position (GRCh38, 1-based): chr15:65,877,395, A>C. VCF-style: chr15-65877395-A-C. GRCh37 (hg19) VCF-style: chr15-66169733-A-C.
Other names: c.104A>C, p.Glu35Ala (NM_001206836.2); short protein forms E35A.
Identifiers: ClinVar variation 2759469 (VCV002759469.3), dbSNP rs2549035433, ClinGen allele CA392919977.